The following is an entry in ClinVar:

NM_001195272.2(TEX13C):c.1552C>A (p.Leu518Met)

Gene: TEX13C (TEX13 family member C; plus strand). Cytogenetic location: Xq25.
Variant type: single nucleotide variant.
Coding change: c.1552C>A on transcript NM_001195272.2 (MANE Select); coding-DNA position 1552, C replaced by A.
Protein change: p.Leu518Met; replaces leucine 518 with methionine.
Molecular consequence: missense variant.
Genome position (GRCh38, 1-based): chrX:125,321,671, C>A. VCF-style: chrX-125321671-C-A. GRCh37 (hg19) VCF-style: chrX-124455520-C-A.
Other names: short protein forms L518M.
Identifiers: ClinVar variation 2661377 (VCV002661377.24), dbSNP rs745325210, ClinGen allele CA10510606.

ClinVar aggregate classification (germline): Likely benign (1 of 4 stars; one submission).

Allele frequency attached by ClinVar (database versions not stated): gnomAD 0.00033.

Submission:

CeGaT Center for Human Genetics Tuebingen
Classification: Likely benign. Last evaluated: 2023-07-01. Review status: criteria provided, single submitter. Criteria: CeGaT Center For Human Genetics Tuebingen Variant Classification Criteria Version 2. Collection method: clinical testing. Allele origin: germline. Affected: yes. Observed: 1 variant allele.
Comment: TEX13C: BP4, BS2